The following is an entry in ClinVar:

ClinVar aggregate classification (germline): Uncertain significance (1 of 4 stars; one submission).

Conditions:
Early-infantile DEE. Also called: Early infantile epileptic encephalopathy with suppression bursts; Early infantile epileptic encephalopathy; Ohtahara syndrome. Identifiers: Orphanet 1934, MedGen C0393706, MONDO:0800491.

gnomAD v4.1: 2 of 1,614,126 alleles (0.00012%); highest among the groups gnomAD compares: Non-Finnish European, 0.00017%; no homozygotes.

Submission:

Labcorp Genetics (formerly Invitae), Labcorp
Classification: Uncertain significance for Early-infantile DEE. Last evaluated: 2025-04-22. Review status: criteria provided, single submitter. Criteria: Invitae Variant Classification Sherloc (09022015). Collection method: clinical testing. Allele origin: germline.
Comment: This sequence change replaces glutamine, which is neutral and polar, with arginine, which is basic and polar, at codon 470 of the SPTAN1 protein (p.Gln470Arg). This variant is present in population databases (rs770224141, gnomAD 0.003%). This variant has not been reported in the literature in individuals affected with SPTAN1-related conditions. Invitae Evidence Modeling of protein sequence and biophysical properties (such as structural, functional, and spatial information, amino acid conservation, physicochemical variation, residue mobility, and thermodynamic stability) has been performed for this missense variant. However, the output from this modeling did not meet the statistical confidence thresholds required to predict the impact of this variant on SPTAN1 protein function. In summary, the available evidence is currently insufficient to determine the role of this variant in disease. Therefore, it has been classified as a Variant of Uncertain Significance.

NM_001130438.3(SPTAN1):c.1409A>G (p.Gln470Arg)

Gene: SPTAN1 (spectrin alpha, non-erythrocytic 1; plus strand). Cytogenetic location: 9q34.11.
Variant type: single nucleotide variant.
Coding change: c.1409A>G on transcript NM_001130438.3 (MANE Select); coding-DNA position 1409, A replaced by G.
Protein change: p.Gln470Arg; replaces glutamine 470 with arginine.
Molecular consequence: missense variant.
Genome position (GRCh38, 1-based): chr9:128,581,007, A>G. VCF-style: chr9-128581007-A-G. GRCh37 (hg19) VCF-style: chr9-131343286-A-G.
Other names: c.1409A>G, p.Gln470Arg (NM_001195532.2, NM_001363759.2, NM_001363765.2 and 10 more transcripts); c.1445A>G, p.Gln482Arg (NM_001375312.2, NM_001375318.1, NM_001438440.1); short protein forms Q482R, Q470R.
Identifiers: ClinVar variation 4692290 (VCV004692290.1).